The following is an entry in ClinVar:

ClinVar aggregate classification (germline): Uncertain significance (1 of 4 stars; one submission).

Submission:

GeneDx
Classification: Uncertain significance. Last evaluated: 2023-02-01. Review status: criteria provided, single submitter. Criteria: GeneDx Variant Classification Process June 2021. Collection method: clinical testing. Allele origin: germline. Affected: yes.
Comment: Not observed at significant frequency in large population cohorts (gnomAD); Missense variants in this gene are often considered pathogenic (HGMD); In silico analysis supports that this missense variant does not alter protein structure/function; Has not been previously published as pathogenic or benign to our knowledge; This substitution is predicted to be in the cytoplasmic loop between the second and third homologous domains

NM_001165963.4(SCN1A):c.3172A>G (p.Lys1058Glu)

Genes: SCN1A (sodium voltage-gated channel alpha subunit 1; minus strand), LOC102724058 (uncharacterized LOC102724058; plus strand). Cytogenetic location: 2q24.3.
Variant type: single nucleotide variant.
Coding change: c.3172A>G on transcript NM_001165963.4 (MANE Select); coding-DNA position 3172, A replaced by G.
Protein change: p.Lys1058Glu; replaces lysine 1058 with glutamic acid.
Molecular consequence: missense variant. On other transcripts: non-coding transcript variant (2).
Genome position (GRCh38, 1-based): chr2:166,036,305, T>C on the plus strand (A>G on the coding strand, the complement: SCN1A is on the minus strand). VCF-style: chr2-166036305-T-C. GRCh37 (hg19) VCF-style: chr2-166892815-T-C.
Other names: c.3088A>G, p.Lys1030Glu (NM_001165964.3, NM_001353957.2, NM_001353958.2); c.3172A>G, p.Lys1058Glu (NM_001202435.3, NM_001353948.2); c.3139A>G, p.Lys1047Glu (NM_001353949.2, NM_001353950.2, NM_001353951.2 and 2 more transcripts); c.3136A>G, p.Lys1046Glu (NM_001353954.2, NM_001353955.2); c.3085A>G, p.Lys1029Glu (NM_001353960.2); c.730A>G, p.Lys244Glu (NM_001353961.2); short protein forms K1029E, K1030E, K1046E, K1047E, K1058E, K244E.
Identifiers: ClinVar variation 2574706 (VCV002574706.1), dbSNP rs1553540300, ClinGen allele CA349059679.